The following is an entry in ClinVar:

NM_170707.4(LMNA):c.513+46G>A

Genes: LMNA (lamin A/C; plus strand), LOC126805877 (MED14-independent group 3 enhancer GRCh37_chr1:156099693-156100892; plus strand). Cytogenetic location: 1q22.
Variant type: single nucleotide variant.
Coding change: c.513+46G>A on transcript NM_170707.4 (MANE Select); 46 bases into the intron after coding-DNA position 513, G replaced by A.
Molecular consequence: intron variant.
Genome position (GRCh38, 1-based): chr1:156,130,819, G>A. VCF-style: chr1-156130819-G-A. GRCh37 (hg19) VCF-style: chr1-156100610-G-A.
Other names: c.513+46G>A (NM_001406983.1, NM_001282625.2, NM_001406984.1 and 6 more transcripts); c.-45-3584G>A (NM_001407002.1, NM_001406995.1, NM_001406990.1); c.-46+46G>A (NM_001406993.1, NM_001407003.1, NM_001406996.1 and 1 more transcripts); c.-152+46G>A (NM_001406999.1, NM_001407000.1, NM_001406994.1); c.270+46G>A (NM_001406986.1, NM_001406987.1, NM_001282624.2); c.-151-3584G>A (NM_001407001.1); c.177+46G>A (NM_001406989.1, NM_001257374.3, NM_001406998.1); c.216+46G>A (NM_001406988.1).
Identifiers: ClinVar variation 4981146 (VCV004981146.1).

ClinVar aggregate classification (germline): Likely benign (1 of 4 stars; one submission).

Conditions:
LMNA-related disorder. Also called: LMNA-related disorders; LMNA-related condition; LMNA-related disease. Identifiers: MedGen CN380145.

gnomAD v4.1: 6 of 1,536,074 alleles (0.00039%); highest among the groups gnomAD compares: Admixed American, 0.0078%; no homozygotes.

Submission:

PreventionGenetics, part of Exact Sciences
Classification: Likely benign for LMNA-related condition. Last evaluated: 2026-07-31. Review status: criteria provided, single submitter. Criteria: ACMG Guidelines, 2015. Collection method: clinical testing. Allele origin: germline.
Comment: This variant is classified as likely benign based on ACMG/AMP sequence variant interpretation guidelines (Richards et al. 2015 PMID: 25741868, with internal and published modifications).